The following is an entry in ClinVar:

NM_000195.5(HPS1):c.1532+2T>G

Gene: HPS1 (HPS1 biogenesis of lysosomal organelles complex 3 subunit 1; minus strand). Cytogenetic location: 10q24.2.
Variant type: single nucleotide variant.
Coding change: c.1532+2T>G on transcript NM_000195.5 (MANE Select); the canonical splice donor site of the intron after coding-DNA position 1532, T replaced by G.
Molecular consequence: splice donor variant.
Genome position (GRCh38, 1-based): chr10:98,423,751, A>C on the plus strand (T>G on the coding strand, the complement: HPS1 is on the minus strand). VCF-style: chr10-98423751-A-C. GRCh37 (hg19) VCF-style: chr10-100183508-A-C.
Other names: c.1163+2T>G (NM_001322483.2, NM_001322484.2); c.1271+2T>G (NM_001322480.2, NM_001322481.2); c.1433+2T>G (NM_001322478.2, NM_001322479.2); c.1532+2T>G (NM_001322476.2, NM_001322477.2); c.1064+2T>G (NM_001322485.2); c.1172+2T>G (NM_001322482.2); c.560+2T>G (NM_001322489.2, NM_001311345.2, NM_001322487.2).
Identifiers: ClinVar variation 3637327 (VCV003637327.2).

ClinVar aggregate classification (germline): Likely pathogenic (1 of 4 stars; one submission).

gnomAD v4.1: 1 of 1,614,068 alleles (0.000062%); highest among the groups gnomAD compares: Non-Finnish European, 0.000085%; no homozygotes.

Submission:

Labcorp Genetics (formerly Invitae), Labcorp
Classification: Likely pathogenic. Last evaluated: 2024-01-29. Review status: criteria provided, single submitter. Criteria: Invitae Variant Classification Sherloc (09022015). Collection method: clinical testing. Allele origin: germline.
Comment: This sequence change affects a donor splice site in intron 15 of the HPS1 gene. It is expected to disrupt RNA splicing. Variants that disrupt the donor or acceptor splice site typically lead to a loss of protein function (PMID: 16199547), and loss-of-function variants in HPS1 are known to be pathogenic (PMID: 12442288, 16185271). This variant is present in population databases (rs780253781, gnomAD 0.0009%). This variant has not been reported in the literature in individuals affected with HPS1-related conditions. Algorithms developed to predict the effect of sequence changes on RNA splicing suggest that this variant may disrupt the consensus splice site. In summary, the currently available evidence indicates that the variant is pathogenic, but additional data are needed to prove that conclusively. Therefore, this variant has been classified as Likely Pathogenic.

Literature cited by the submitters: PubMed 16199547; PubMed 12442288; PubMed 16185271.